The following is an entry in ClinVar:

NM_032776.3(JMJD1C):c.6427ATA[1] (p.Ile2144del)

Gene: JMJD1C (jumonji domain containing 1C; minus strand). Cytogenetic location: 10q21.3.
Variant type: Microsatellite.
Coding change: c.6427ATA[1] on transcript NM_032776.3 (MANE Select); one copy of the 3-base unit ATA starting at c.6427; the reference has two copies in a row; one copy, 3 bases deleted.
Protein change: p.Ile2144del; deletes isoleucine 2144.
Molecular consequence: inframe deletion. On other transcripts: non-coding transcript variant (1).
Genome position (GRCh38, 1-based): chr10:63,189,306-63,189,308, TAT deleted on the plus strand (ATA on the coding strand, the reverse complement: JMJD1C is on the minus strand); deleting any 3 consecutive bases within chr10:63,189,306-63,189,311 gives the same sequence; the position shown is the placement nearest the transcript's 3' end. VCF-style (leftmost placement, unchanged base first): chr10-63189305-ATAT-A. GRCh37 (hg19) VCF-style: chr10-64949065-ATAT-A.
Other names: c.5881ATA[1], p.Ile1962del (NM_001282948.2, NM_001318154.2); c.5563ATA[1], p.Ile1856del (NM_001318153.2); c.6313ATA[1], p.Ile2106del (NM_001322252.2); c.5770ATA[1], p.Ile1925del (NM_001322254.2, NM_001322258.2); short protein forms I1856del, I2144del, I1925del, I1962del, I2106del.
Identifiers: ClinVar variation 940943 (VCV000940943.7), dbSNP rs1313048220, ClinGen allele CA667344853.
Genomic context (GRCh38, chr10:63,189,305, plus strand): 5'-TCTCACAGATCCAAGAATGTGGTATATCACTGTATAATTTATTATTTTCATCCACTGCAG[ATAT>A]TATGCTTTCTTCAGGCTCTTCTTTAAGCTCTGGTTTTACATTTATCTTGGAGGTTTTACT-3'

ClinVar aggregate classification (germline): Uncertain significance (1 of 4 stars; one submission).

Conditions:
Early Myoclonic Encephalopathy. Identifiers: MedGen C0270855.

Submission:

Labcorp Genetics (formerly Invitae), Labcorp
Classification: Uncertain significance for Early Myoclonic Encephalopathy. Last evaluated: 2021-12-02. Review status: criteria provided, single submitter. Criteria: Invitae Variant Classification Sherloc (09022015). Collection method: clinical testing. Allele origin: germline.
Comment: In summary, the available evidence is currently insufficient to determine the role of this variant in disease. Therefore, it has been classified as a Variant of Uncertain Significance. Experimental studies and prediction algorithms are not available or were not evaluated, and the functional significance of this variant is currently unknown. ClinVar contains an entry for this variant (Variation ID: 940943). This variant has not been reported in the literature in individuals affected with JMJD1C-related conditions. This variant is not present in population databases (gnomAD no frequency). This variant, c.6430_6432del, results in the deletion of 1 amino acid(s) of the JMJD1C protein (p.Ile2144del), but otherwise preserves the integrity of the reading frame.